The following is an entry in ClinVar:

NM_000138.5(FBN1):c.6313G>A (p.Glu2105Lys)

Gene: FBN1 (fibrillin 1; minus strand). Cytogenetic location: 15q21.1.
Variant type: single nucleotide variant.
Coding change: c.6313G>A on transcript NM_000138.5 (MANE Select); coding-DNA position 6313, G replaced by A.
Protein change: p.Glu2105Lys; replaces glutamic acid 2105 with lysine.
Molecular consequence: missense variant.
Genome position (GRCh38, 1-based): chr15:48,437,768, C>T on the plus strand (G>A on the coding strand, the complement: FBN1 is on the minus strand). VCF-style: chr15-48437768-C-T. GRCh37 (hg19) VCF-style: chr15-48729965-C-T.
Other names: c.6313G>A, p.Glu2105Lys (NM_001406716.1); short protein forms E2105K.
Identifiers: ClinVar variation 1325434 (VCV001325434.6), dbSNP rs794728247, ClinGen allele CA392336886.

ClinVar aggregate classification (germline): Conflicting classifications of pathogenicity. Review status: criteria provided, conflicting classifications (1 of 4 stars). 3 submissions from 3 submitters: Likely pathogenic (1); Uncertain significance (2). Last evaluated 2025-04-16.

Conditions:
Marfan syndrome (MFS). Also called: Marfan syndrome type 1; Marfan's syndrome; FBN1-Related Marfan Syndrome; MARFAN SYNDROME, TYPE I; Marfan syndrome, classic. Identifiers: Orphanet 284963, Orphanet 558, MedGen C0024796, MONDO:0007947, OMIM 154700.
Familial thoracic aortic aneurysm and aortic dissection (TAAD). Also called: Thoracic aortic aneurysms and dissections. Identifiers: Orphanet 91387, MedGen C4707243, MONDO:0019625.

Submissions (3):

GeneDx
Classification: Uncertain significance. Last evaluated: 2025-04-16. Review status: criteria provided, single submitter. Criteria: GeneDx Variant Classification Process June 2021. Collection method: clinical testing. Allele origin: germline. Affected: yes.
Comment: Not observed at significant frequency in large population cohorts (gnomAD); Alters the last nucleotide of the exon and is predicted to damage the splice donor site but the effect on protein function is unclear; Does not affect a cysteine or calcium-binding residue within an EGF-like domain or a TGF-binding protein domain of the FBN1 gene; cysteine substitutions in the EGF-like domains represent the majority of pathogenic missense changes associated with FBN1-related disorders (PMID: 12938084); This variant is associated with the following publications: (PMID: 17657824, 35058154, 12938084)

Labcorp Genetics (formerly Invitae), Labcorp
Classification: Uncertain significance for Marfan syndrome; Familial thoracic aortic aneurysm and aortic dissection. Last evaluated: 2024-09-19. Review status: criteria provided, single submitter. Criteria: Invitae Variant Classification Sherloc (09022015). Collection method: clinical testing. Allele origin: germline.
Comment: This sequence change replaces glutamic acid, which is acidic and polar, with lysine, which is basic and polar, at codon 2105 of the FBN1 protein (p.Glu2105Lys). This variant also falls at the last nucleotide of exon 51, which is part of the consensus splice site for this exon. This variant is not present in population databases (gnomAD no frequency). This missense change has been observed in individual(s) with Marfan syndrome (PMID: 17657824, 35058154). ClinVar contains an entry for this variant (Variation ID: 1325434). An algorithm developed to predict the effect of missense changes on protein structure and function (PolyPhen-2) suggests that this variant is likely to be tolerated. Variants that disrupt the consensus splice site are a relatively common cause of aberrant splicing (PMID: 17576681, 9536098). Algorithms developed to predict the effect of sequence changes on RNA splicing suggest that this variant may disrupt the consensus splice site. In summary, the available evidence is currently insufficient to determine the role of this variant in disease. Therefore, it has been classified as a Variant of Uncertain Significance.

Centre of Medical Genetics, University of Antwerp
Classification: Likely pathogenic for Marfan syndrome. Last evaluated: 2021-03-01. Review status: criteria provided, single submitter. Criteria: Submitter's publication. Collection method: research. Allele origin: unknown. Affected: yes.
Comment: PM2, PS1, PP4

Literature cited by the submitters: PubMed 17657824 (cited by Labcorp Genetics (formerly Invitae), Labcorp); PubMed 35058154 (cited by Labcorp Genetics (formerly Invitae), Labcorp); PubMed 17576681 (cited by Labcorp Genetics (formerly Invitae), Labcorp); PubMed 9536098 (cited by Labcorp Genetics (formerly Invitae), Labcorp).